The following is an entry in ClinVar:

NM_014991.6(WDFY3):c.1810G>A (p.Asp604Asn)

Gene: WDFY3 (WD repeat and FYVE domain containing 3; minus strand). Cytogenetic location: 4q21.23.
Variant type: single nucleotide variant.
Coding change: c.1810G>A on transcript NM_014991.6 (MANE Select); coding-DNA position 1810, G replaced by A.
Protein change: p.Asp604Asn; replaces aspartic acid 604 with asparagine.
Molecular consequence: missense variant.
Genome position (GRCh38, 1-based): chr4:84,817,469, C>T on the plus strand (G>A on the coding strand, the complement: WDFY3 is on the minus strand). VCF-style: chr4-84817469-C-T. GRCh37 (hg19) VCF-style: chr4-85738622-C-T.
Other names: short protein forms D604N.
Identifiers: ClinVar variation 4278690 (VCV004278690.1).

ClinVar aggregate classification (germline): Uncertain significance (1 of 4 stars; one submission).

Submission:

GeneDx
Classification: Uncertain significance. Last evaluated: 2025-03-30. Review status: criteria provided, single submitter. Criteria: GeneDx Variant Classification Process June 2021. Collection method: clinical testing. Allele origin: germline. Affected: yes.
Comment: Not observed at significant frequency in large population cohorts (gnomAD); In silico analysis supports that this missense variant has a deleterious effect on protein structure/function; Has not been previously published as pathogenic or benign to our knowledge